The following is an entry in ClinVar:

NM_020207.7(ERCC6L2):c.3484A>G (p.Ser1162Gly)

Gene: ERCC6L2 (ERCC excision repair 6 like 2; plus strand). Cytogenetic location: 9q22.32.
Variant type: single nucleotide variant.
Coding change: c.3484A>G on transcript NM_020207.7 (MANE Select); coding-DNA position 3484, A replaced by G.
Protein change: p.Ser1162Gly; replaces serine 1162 with glycine.
Molecular consequence: missense variant. On other transcripts: non-coding transcript variant (1).
Genome position (GRCh38, 1-based): chr9:95,978,207, A>G. VCF-style: chr9-95978207-A-G. GRCh37 (hg19) VCF-style: chr9-98740489-A-G.
Other names: c.3484A>G, p.Ser1162Gly (NM_001375291.1, NM_001375292.1, NM_001375293.1 and 1 more transcripts); short protein forms S1162G.
Identifiers: ClinVar variation 2958544 (VCV002958544.2), dbSNP rs780786939, ClinGen allele CA5139931.
Genomic context (GRCh38, chr9:95,978,207, plus strand): 5'-GCACATGACGTATTTGAGTTGAAGCAGTTTTCTCAGCTGCCTGCTAACATAGCTGTTTGC[A>G]GTTCTAAGGTAAGAAAAATATAGGGTAGTATCATCTTTAGTTACCTCATTTTTCACAGAA-3'
Protein context (NP_064592.3, residues 1152-1172): SQLPANIAVC[Ser1162Gly]SKTYKEKVDA

ClinVar aggregate classification (germline): Uncertain significance (1 of 4 stars; one submission).

Allele frequency attached by ClinVar (database versions not stated): TOPMed 0.00002; ExAC 0.00003; gnomAD exomes 0.00003.
gnomAD v4.1: 10 of 1,363,764 alleles (0.00073%); highest among the groups gnomAD compares: Admixed American, 0.019%; no homozygotes.

Submission:

Labcorp Genetics (formerly Invitae), Labcorp
Classification: Uncertain significance. Last evaluated: 2024-10-08. Review status: criteria provided, single submitter. Criteria: Invitae Variant Classification Sherloc (09022015). Collection method: clinical testing. Allele origin: germline.
Comment: This sequence change replaces serine, which is neutral and polar, with glycine, which is neutral and non-polar, at codon 1173 of the ERCC6L2 protein (p.Ser1173Gly). This variant is present in population databases (rs780786939, gnomAD 0.02%). This variant has not been reported in the literature in individuals affected with ERCC6L2-related conditions. Experimental studies and prediction algorithms are not available or were not evaluated, and the functional significance of this variant is currently unknown. In summary, the available evidence is currently insufficient to determine the role of this variant in disease. Therefore, it has been classified as a Variant of Uncertain Significance.